The following is an entry in ClinVar:

NM_020944.3(GBA2):c.1034C>T (p.Thr345Ile)

Gene: GBA2 (glucosylceramidase beta 2; minus strand). Cytogenetic location: 9p13.3.
Variant type: single nucleotide variant.
Coding change: c.1034C>T on transcript NM_020944.3 (MANE Select); coding-DNA position 1034, C replaced by T.
Protein change: p.Thr345Ile; replaces threonine 345 with isoleucine.
Molecular consequence: missense variant.
Genome position (GRCh38, 1-based): chr9:35,740,621, G>A on the plus strand (C>T on the coding strand, the complement: GBA2 is on the minus strand). VCF-style: chr9-35740621-G-A. GRCh37 (hg19) VCF-style: chr9-35740618-G-A.
Other names: p.Thr345Ile; c.1034C>T, p.Thr345Ile (NM_001330660.2); short protein forms T345I.
Identifiers: ClinVar variation 3379863 (VCV003379863.1).

ClinVar aggregate classification (germline): Uncertain significance (1 of 4 stars; one submission).

gnomAD v4.1: 5 of 1,612,924 alleles (0.00031%); highest among the groups gnomAD compares: Non-Finnish European, 0.00042%; no homozygotes.

Submission:

Mayo Clinic Laboratories, Mayo Clinic
Classification: Uncertain significance. Last evaluated: 2024-01-04. Review status: criteria provided, single submitter. Criteria: ACMG Guidelines, 2015. Collection method: clinical testing. Allele origin: germline. Observed: 1 variant allele.
Comment: BP4